The following is an entry in ClinVar:

NC_000005.9:g.(94830722_94833119)_(94834296_94838583)del

Gene: SKIC3 (SKI3 subunit of superkiller complex; minus strand). Cytogenetic location: 5q15.
Variant type: Deletion.
Identifiers: ClinVar variation 2429243 (VCV002429243.3).

ClinVar aggregate classification (germline): Likely pathogenic (1 of 4 stars; one submission).

Conditions:
Trichohepatoenteric syndrome. Also called: THE SYNDROME; Syndromic diarrhea; Tricho-hepato-enteric syndrome. Identifiers: Orphanet 84064, MedGen C1857276, MONDO:0009105.

Submission:

Women's Health and Genetics/Laboratory Corporation of America, LabCorp
Classification: Likely pathogenic for Trichohepatoenteric syndrome. Last evaluated: 2023-01-10. Review status: criteria provided, single submitter. Criteria: LabCorp Variant Classification Summary - May 2015. Collection method: clinical testing. Allele origin: germline.
Comment: Variant summary: The variant identified by MLPA or other technology involves the deletion of exons 33-34 in the TTC37 gene. A presumed nomenclature of c.(3341+1_3342-1)_(3636+1_3637-1)del has been designated for the purposes of this classification. Although exact breakpoints of this deletion are not known, it is expected to result in a frameshift in the TTC37 gene, a known mechanism of disease. The variant was absent in 21694 control chromosomes in the gnomAD database (structural variants dataset). To our knowledge, no occurrence of c.(3341+1_3342-1)_(3636+1_3637-1)del in individuals affected with Trichohepatoenteric Syndrome and no experimental evidence demonstrating its impact on protein function have been reported. No clinical diagnostic laboratories have submitted clinical-significance assessments for this variant to ClinVar after 2014. Based on the evidence outlined above, the variant was classified as likely pathogenic.